The following is an entry in ClinVar:

ClinVar aggregate classification (germline): Pathogenic (1 of 4 stars; one submission).

Conditions:
Autosomal recessive limb-girdle muscular dystrophy type 2E (LGMDR4). Also called: MUSCULAR DYSTROPHY, LIMB-GIRDLE, AUTOSOMAL RECESSIVE 4. Identifiers: Orphanet 119, MedGen C1858593, MONDO:0011423, OMIM 604286. Disease mechanism: Affects gamma-sarcoglycan and also disrupts the integrity of the entire sarcoglycan complex..

Submission:

Labcorp Genetics (formerly Invitae), Labcorp
Classification: Pathogenic for Autosomal recessive limb-girdle muscular dystrophy type 2E. Last evaluated: 2021-05-08. Review status: criteria provided, single submitter. Criteria: Invitae Variant Classification Sherloc (09022015). Collection method: clinical testing. Allele origin: germline.
Comment: This variant disrupts the C-terminus of the SGCB protein. Other variant(s) that disrupt this region (p.Met247Asnfs*33) have been determined to be pathogenic (PMID: 15938573). This suggests that variants that disrupt this region of the protein are likely to be causative of disease. This variant is not present in population databases (ExAC no frequency). This variant has not been reported in the literature in individuals with SGCB-related conditions. For these reasons, this variant has been classified as Pathogenic. This sequence change creates a premature translational stop signal (p.Asn246Tyrfs*33) in the SGCB gene. While this is not anticipated to result in nonsense mediated decay, it is expected to disrupt the last 73 amino acid(s) of the SGCB protein.

Literature cited by the submitters: PubMed 15938573.

NM_000232.5(SGCB):c.735_736del (p.Asn246fs)

Gene: SGCB (sarcoglycan beta; minus strand). Cytogenetic location: 4q12.
Variant type: Deletion.
Coding change: c.735_736del on transcript NM_000232.5 (MANE Select); coding-DNA positions 735 to 736, 2 bases deleted (TA; older notation c.735_736delTA).
Protein change: p.Asn246fs; shifts the reading frame from asparagine 246.
Molecular consequence: frameshift variant.
Genome position (GRCh38, 1-based): chr4:52,027,985-52,027,986, TA deleted on the plus strand (TA on the coding strand, the reverse complement: SGCB is on the minus strand). VCF-style (leftmost placement, unchanged base first): chr4-52027984-TTA-T. GRCh37 (hg19) VCF-style: chr4-52894150-TTA-T.
Other names: short protein forms N246fs.
Identifiers: ClinVar variation 1451596 (VCV001451596.8), dbSNP rs2109369924, ClinGen allele CA2573137890.
Genomic context (GRCh38, chr4:52,027,984, plus strand): 5'-CCAAGAACCTAATAATTCTCTTAAGCTCTTAAAAGAATACTCACCGCCTTTAACTCCATA[TTA>T]CCACCCATGTGAAATTCAATGGTTTTGCCCATAATGAATACACCTTCATTTCCACGCACA-3'